The following is an entry in ClinVar:

ClinVar aggregate classification (germline): Pathogenic. Review status: criteria provided, multiple submitters, no conflicts (2 of 4 stars). 2 submissions from 2 submitters: Pathogenic (2). Last evaluated 2025-03-05.

Conditions:
Hereditary cancer-predisposing syndrome. Also called: Neoplastic Syndromes, Hereditary; Tumor predisposition; Hereditary Cancer Syndrome; Hereditary neoplastic syndrome. Identifiers: Orphanet 140162, MedGen C0027672, MeSH D009386, MONDO:0015356.
Hereditary breast ovarian cancer syndrome. Also called: Hereditary breast and ovarian cancer syndrome (HBOC); Hereditary breast and ovarian cancer; BRCA1- and BRCA2-Associated Hereditary Breast and Ovarian Cancer; Hereditary breast and ovarian cancer syndrome; Breast and ovarian cancer; Hereditary breast and/or ovarian cancer syndrome. Identifiers: Orphanet 145, MedGen C0677776, MeSH D061325, MONDO:0003582. Disease mechanism: loss of function.

Submissions (2):

Labcorp Genetics (formerly Invitae), Labcorp
Classification: Pathogenic for Hereditary breast ovarian cancer syndrome. Last evaluated: 2025-03-05. Review status: criteria provided, single submitter. Criteria: Invitae Variant Classification Sherloc (09022015). Collection method: clinical testing. Allele origin: germline.
Comment: This sequence change creates a premature translational stop signal (p.Ile2278Profs*16) in the BRCA2 gene. It is expected to result in an absent or disrupted protein product. Loss-of-function variants in BRCA2 are known to be pathogenic (PMID: 20104584). This variant is not present in population databases (gnomAD no frequency). This variant has not been reported in the literature in individuals affected with BRCA2-related conditions. ClinVar contains an entry for this variant (Variation ID: 1755667). For these reasons, this variant has been classified as Pathogenic.

Ambry Genetics
Classification: Pathogenic for Hereditary cancer-predisposing syndrome. Last evaluated: 2015-03-24. Review status: criteria provided, single submitter. Criteria: Ambry Variant Classification Scheme 2023. Collection method: clinical testing. Allele origin: germline.
Comment: The c.6828_6831dupCCTT pathogenic mutation (also known as 7059ins4), located in coding exon 10 of the BRCA2 gene, results from a duplication of CCTT at nucleotide position 6828, causing a translational frameshift with a predicted alternate stop codon. Since frameshifts are typically deleterious in nature, this alteration is interpreted as a disease-causing mutation (ACMG Recommendations for Standards for Interpretation and Reporting of Sequence Variations. Revision 2007. Genet Med. 2008;10:294).

Literature cited by the submitters: PubMed 20104584 (cited by Labcorp Genetics (formerly Invitae), Labcorp).

NM_000059.4(BRCA2):c.6828_6831dup (p.Ile2278fs)

Gene: BRCA2 (BRCA2 DNA repair associated; plus strand). Cytogenetic location: 13q13.1.
Variant type: Duplication.
Coding change: c.6828_6831dup on transcript NM_000059.4 (MANE Select); coding-DNA positions 6828 to 6831, 4 bases duplicated (CCTT; older notation c.6828_6831dupCCTT).
Protein change: p.Ile2278fs; shifts the reading frame from isoleucine 2278.
Molecular consequence: frameshift variant.
Genome position (GRCh38, 1-based): chr13:32,341,183-32,341,186, CCTT duplicated. VCF-style (leftmost placement, unchanged base first): chr13-32341182-C-CCCTT. GRCh37 (hg19) VCF-style: chr13-32915319-C-CCCTT.
Other names: c.6828_6831dup, p.Ile2278Profs (NM_001406719.1, NM_001406720.1); c.6828_6831dupCCTT (NM_000059.3); short protein forms I2278fs.
Identifiers: ClinVar variation 1755667 (VCV001755667.3), dbSNP rs2548534185, ClinGen allele CA2575387805.